The following is an entry in ClinVar:

ClinVar aggregate classification (germline): Likely benign (0 of 4 stars; one submission).

Conditions:
BRPF1-related disorder. Also called: BRPF1-related condition.

Submission:

PreventionGenetics, part of Exact Sciences
Classification: Likely benign for BRPF1-related condition. Last evaluated: 2019-03-07. Review status: no assertion criteria provided. Collection method: clinical testing. Allele origin: germline.
Comment: This variant is classified as likely benign based on ACMG/AMP sequence variant interpretation guidelines (Richards et al. 2015 PMID: 25741868, with internal and published modifications).

NM_001003694.2(BRPF1):c.3018C>T (p.Asp1006=)

Gene: BRPF1 (bromodomain and PHD finger containing 1; plus strand). Cytogenetic location: 3p25.3.
Variant type: single nucleotide variant.
Coding change: c.3018C>T on transcript NM_001003694.2 (MANE Select); coding-DNA position 3018, C replaced by T.
Protein change: p.Asp1006=; no amino-acid change (aspartic acid 1006 retained).
Molecular consequence: synonymous variant. On other transcripts: non-coding transcript variant (1).
Genome position (GRCh38, 1-based): chr3:9,745,105, C>T. VCF-style: chr3-9745105-C-T. GRCh37 (hg19) VCF-style: chr3-9786789-C-T.
Other names: c.2715C>T, p.Asp905= (NM_001319049.2); c.2997C>T, p.Asp999= (NM_001319050.2); c.3015C>T, p.Asp1005= (NM_001410704.1); c.3000C>T, p.Asp1000= (NM_004634.3).
Identifiers: ClinVar variation 3057356 (VCV003057356.2), dbSNP rs2125513461, ClinGen allele CA432382837.